The following is an entry in ClinVar:

ClinVar aggregate classification (germline): Uncertain significance (1 of 4 stars; one submission).

Conditions:
Neurodevelopmental disorder with seizures, spasticity, and complete or partial agenesis of the corpus callosum (NEDSSCC). Identifiers: MedGen C5830296, MONDO:0859516, OMIM 620250.

Submission:

3billion
Classification: Uncertain significance for Neurodevelopmental disorder with seizures, spasticity, and complete or partial agenesis of the corpus callosum. Last evaluated: 2024-08-16. Review status: criteria provided, single submitter. Criteria: ACMG Guidelines, 2015. Collection method: clinical testing. Allele origin: germline. Affected: yes.
Comment: The variant is not observed in the gnomAD v4.0.0 dataset. Predicted Consequence/Location: Intron variant In silico tools predict the variant to alter splicing and produce an abnormal transcript [SpliceAI: 0.33 (>=0.2, moderate evidence for spliceogenicity)]. Therefore, this variant is classified as VUS according to the recommendation of ACMG/AMP guideline.

NM_001388303.1(HECTD4):c.4514-5T>G

Gene: HECTD4 (HECT domain E3 ubiquitin protein ligase 4; minus strand). Cytogenetic location: 12q24.13.
Variant type: single nucleotide variant.
Coding change: c.4514-5T>G on transcript NM_001388303.1 (MANE Select); 5 bases into the intron before coding-DNA position 4514, T replaced by G.
Molecular consequence: intron variant.
Genome position (GRCh38, 1-based): chr12:112,244,014, A>C on the plus strand (T>G on the coding strand, the complement: HECTD4 is on the minus strand). VCF-style: chr12-112244014-A-C. GRCh37 (hg19) VCF-style: chr12-112681818-A-C.
Other names: c.4544-5T>G (NM_001109662.4).
Identifiers: ClinVar variation 4072276 (VCV004072276.1).